The following is an entry in ClinVar:

ClinVar aggregate classification (germline): Uncertain significance (1 of 4 stars; one submission).

Allele frequency attached by ClinVar (database versions not stated): gnomAD exomes below 0.00001; gnomAD 0.00001.
gnomAD v4.1: 3 of 1,612,694 alleles (0.00019%); highest among the groups gnomAD compares: African/African-American, 0.0027%; no homozygotes.

Submission:

Women's Health and Genetics/Laboratory Corporation of America, LabCorp
Classification: Uncertain significance. Last evaluated: 2024-01-03. Review status: criteria provided, single submitter. Criteria: LabCorp Variant Classification Summary - May 2015. Collection method: clinical testing. Allele origin: germline.
Comment: Variant summary: PLG c.50-4C>G alters a non-conserved nucleotide located close to a canonical splice site and therefore could affect mRNA splicing, leading to a significantly altered protein sequence. Consensus agreement among computation tools predict no significant impact on normal splicing. However, these predictions have yet to be confirmed by functional studies. The variant was absent in 251164 control chromosomes (gnomAD). The available data on variant occurrences in the general population are insufficient to allow any conclusion about variant significance. To our knowledge, no occurrence of c.50-4C>G in individuals affected with Plasminogen Deficiency and no experimental evidence demonstrating its impact on protein function have been reported. No submitters have cited clinical-significance assessments for this variant to ClinVar after 2014. Based on the evidence outlined above, the variant was classified as uncertain significance.

NM_000301.5(PLG):c.50-4C>G

Gene: PLG (plasminogen; plus strand). Cytogenetic location: 6q26.
Variant type: single nucleotide variant.
Coding change: c.50-4C>G on transcript NM_000301.5 (MANE Select); 4 bases into the intron before coding-DNA position 50, C replaced by G.
Molecular consequence: intron variant.
Genome position (GRCh38, 1-based): chr6:160,706,403, C>G. VCF-style: chr6-160706403-C-G. GRCh37 (hg19) VCF-style: chr6-161127435-C-G.
Other names: c.50-4C>G (NM_001168338.1).
Identifiers: ClinVar variation 3063641 (VCV003063641.1), dbSNP rs1777524086, ClinGen allele CA1096540039.